The following continues an entry in ClinVar:

NM_000051.4(ATM):c.8418+5_8418+8del

ClinVar aggregate classification (germline): Pathogenic. Pathogenic (19).

Submissions 11 to 22 of 22:

GeneDx
Classification: Pathogenic. Last evaluated: 2024-01-31. Review status: criteria provided, single submitter. Criteria: GeneDx Variant Classification Process June 2021. Collection method: clinical testing. Allele origin: germline. Affected: yes.
Comment: Non-canonical splice site variant demonstrated to result in an in-frame deletion of a critical region (PMID: 31843900, 8808599); Observed in the heterozygous state in individuals with prostate, breast, or pancreatic cancer (PMID: 27433846, 32338768, 32853339, 33436325, 35047863); Not observed at significant frequency in large population cohorts (gnomAD); This variant is associated with the following publications: (PMID: 9872980, 31447099, 30549301, 9463314, 10817650, 28008555, 12552566, 12552559, 26681312, 8808599, 23532176, 31843900, 33436325, 32338768, 32885271, 32866655, 32853339, 35047863, 29922827, 35078243, 27433846, 8845835)

ARUP Laboratories, Molecular Genetics and Genomics, ARUP Laboratories
Classification: Pathogenic. Last evaluated: 2024-01-05. Review status: criteria provided, single submitter. Criteria: ARUP Molecular Germline Variant Investigation Process 2024. Collection method: clinical testing. Allele origin: germline.
Comment: The ATM c.8418+5_8418+8del variant (rs730881295), also known as c.8418 + 2_5delTGAG, is reported homozygous or compound heterozygous in individuals with ataxia-telangiectasia and heterozygous in individuals with prostate and breast cancer (Li 2000, Pritchard 2016, Schon 2019, Susswein 2016, Wright 1996). This variant is also reported in ClinVar (Variation ID: 181866) and is found in the non-Finnish European population with an allele frequency of 0.002% (2/128848 alleles) in the Genome Aggregation Database (v2.1.1). This is an intronic variant and splicing studies found this variant results in skipping of exon 57 (Wright 1996). Based on available information, this variant is considered to be pathogenic. References: Li A et al. Mutations at the ataxia-telangiectasia locus and clinical phenotypes of A-T patients. Am J Med Genet. 2000 May 29;92(3):170-7. PMID: 10817650. Pritchard CC et al. Inherited DNA-Repair Gene Mutations in Men with Metastatic Prostate Cancer. N Engl J Med. 2016 Aug 4;375(5):443-53. PMID: 27433846. Schon K et al. Genotype, extrapyramidal features, and severity of variant ataxia-telangiectasia. Ann Neurol. 2019 Feb;85(2):170-180. PMID: 30549301. Susswein LR et al. Pathogenic and likely pathogenic variant prevalence among the first 10,000 patients referred for next-generation cancer panel testing. Genet Med. 2016 Aug;18(8):823-32. PMID: 26681312; PMCID: PMC4985612. Wright J et al. A high frequency of distinct ATM gene mutations in ataxia-telangiectasia. Am J Hum Genet. 1996 Oct;59(4):839-46. PMID: 8808599.

CHEO Genetics Diagnostic Laboratory, Children's Hospital of Eastern Ontario
Classification: Pathogenic for Breast and/or ovarian cancer. Last evaluated: 2023-02-08. Review status: criteria provided, single submitter. Criteria: ACMG Guidelines, 2015. Collection method: clinical testing. Allele origin: germline.

Victorian Clinical Genetics Services, Murdoch Childrens Research Institute
Classification: Pathogenic for Familial cancer of breast. Last evaluated: 2022-02-02. Review status: criteria provided, single submitter. Criteria: ACMG Guidelines, 2015. Collection method: clinical testing. Allele origin: germline. Inheritance: Autosomal dominant inheritance.
Comment: Based on the classification scheme VCGS_Germline_v1.3.4, this variant is classified as Pathogenic. Following criteria are met: 0103 - Dominant negative and loss of function are known mechanisms of disease in this gene and are associated with ataxia-telangiectasia (MIM#208900), and cancer susceptibility (MIM#114480) (OMIM). Missense variants have been shown to interfere with endogenous ATM protein activity (PMID: 20301790, PMID: 19431188). (I) 0108 - This gene is associated with both recessive and dominant disease. Biallelic variants in this gene result in ataxia-telangiectasia, whereas heterozygous individuals have a greater susceptilbity to different forms of cancer (OMIM). (I) 0115 - Variants in this gene are known to have variable expressivity. Variable age of onset and rate of disease progression have been reported for affected individuals within the same family (PMID: 20301790, PMID: 27884168). (I) 0210 - Splice site variant proven to affect splicing of the transcript with a known effect on protein sequence. This variant has been shown by RT-PCR to cause exon 57 skipping resulting in the inframe loss of 50 amino acids (p.(Val2757_Met2806del)) (PMID: 8845835, PMID: 31843900). (SP) 0251 - This variant is heterozygous. (I) 0304 - Variant is present in gnomAD (v3) <0.01 for a condition (3 heterozygotes, 0 homozygotes). (SP) 0601 - Variant results in the partial loss of the well-established PI3K/PI4K domain, including multiple ATP binding sites (NCBI, UniProt). (SP) 0801 - This variant has strong previous evidence of pathogenicity in unrelated individuals. This variant has been reported many times as pathogenic, and described in a compound heterozygous state in multiple individuals with ataxia-telangiectasia with or without cancer, and a heterozygous state in individuals with breast or prostate cancer (ClinVar, PMID: 27433846, PMID: 8845835, PMID: 31843900, PMID: 28008555). (SP) 1208 - Inheritance information for this variant is not currently available in this individual. (I) Legend: (SP) - Supporting pathogenic, (I) - Information, (SB) - Supporting benign

Women's Health and Genetics/Laboratory Corporation of America, LabCorp
Classification: Pathogenic for Ataxia-telangiectasia syndrome. Last evaluated: 2020-09-28. Review status: criteria provided, single submitter. Criteria: LabCorp Variant Classification Summary - May 2015. Collection method: clinical testing. Allele origin: germline.
Comment: Variant summary: ATM c.8418+5_8418+8delGTGA alters a conserved nucleotide located close to a canonical splice site and therefore could affect mRNA splicing, leading to a significantly altered protein sequence. Several computational tools predict a significant impact on normal splicing: Three predict the variant abolishes a 5 splicing donor site. One predict the variant weakens a 5' donor site. Experimental studies have shown the variant to result in exon skipping (Wright_1996). The variant allele was found at a frequency of 4e-06 in 251020 control chromosomes. c.8418+5_8418+8delGTGA has been reported in the literature in multiple individuals affected with Ataxia-Telangiectasia in the compound heterozygous state (Buzin_2003, Hacia_1998, Li_2000, Pritzlaff_2017) as well as breast and prostate cancers in the heterozygous state (Pritchard_2016, Susswein_2016). Eight clinical diagnostic laboratories have submitted clinical-significance assessments for this variant to ClinVar after 2014 without evidence for independent evaluation. All laboratories classified the variant as pathogenic. Based on the evidence outlined above, the variant was classified as pathogenic.

Genetic Services Laboratory, University of Chicago
Classification: Pathogenic. Last evaluated: 2020-08-19. Review status: criteria provided, single submitter. Criteria: ACMG Guidelines, 2015. Collection method: clinical testing. Allele origin: germline. Affected: yes.
Comment: DNA sequence analysis of the ATM gene demonstrated a sequence change close to the splice donor site of intron 57, c.8418+5_8418+8del. This sequencing change has been described in the gnomAD database with a low population frequency of 0.0007% (dbSNP rs1060499575). This sequence change has been previously reported in the compound heterozygous state in individuals with ataxia-telangiectasia (PMIDs: 30549301, 9872980, 10817650, 12552559, 28008555). It has also been reported in breast and prostate cancer patients (PMIDs: 26681312, 27433846). Functional study shows the c.8418+5_8418+8del variant causes a skipping of exon 57, and results in a short mRNA transcript with 150-base pair deletion (PMID: 8808599). Collectively these evidences indicate that, the c.8418+5_8418+8del sequence is pathogenic.

Quest Diagnostics Nichols Institute San Juan Capistrano
Classification: Pathogenic. Last evaluated: 2018-09-27. Review status: criteria provided, single submitter. Criteria: Quest Diagnostics criteria. Collection method: clinical testing. Allele origin: unknown.
Comment: The frequency of this variant in the general population, 0.000016 (2/128848 chromosomes), is uninformative in assessment of its pathogenicity. In the published literature, the variant has been reported in individuals with breast cancer (PMID: 32885271 (2021), 26681312 (2015), 19781682 (2009)), prostate cancer (PMID: 33436325 (2021), 32853339 (2021), 32338768 (2020)), and ataxia-telangiectasia (PMID: 9463314 (1998), 9872980 (1998), 30549301 (2019), 28008555 (2017)). This variant has also been shown to result in exon 59 skipping (PMID: 8808599 (1996)). Analysis of this variant using software algorithms for the prediction of the effect of nucleotide changes on splicing yielded predictions that this variant may affect proper ATM mRNA splicing. Based on the available information, this variant is classified as pathogenic.

Human Genome Sequencing Center Clinical Lab, Baylor College of Medicine
Classification: Pathogenic for Susceptibility to breast cancer; Ataxia-telangiectasia. Last evaluated: 2018-08-17. Review status: criteria provided, single submitter. Criteria: ACMG Guidelines, 2015. Collection method: clinical testing. Allele origin: germline.
Comment: This c.8418+5_8418+8delGTGA variant in the ATM gene was experimentally demonstrated to cause exon skipping and result in a shortened mRNA transcript (PMID: 8808599). This variant has been reported in several individuals affected with ataxia-telangiectasia (MIM # 208900, PMID: 9872980, 10817650, 12552559) and in a patient affected with prostate cancer (PMID: 27433846). This variant has an extremely low frequency in large databases of genetic variation in the general population. Therefore, this c.8418+5_8418+8delGTGA variant in the ATM gene is classified as pathogenic.

Institute of Human Genetics, University of Leipzig Medical Center
Classification: Pathogenic for Familial cancer of breast. Last evaluated: 2018-06-11. Review status: criteria provided, single submitter. Criteria: ACMG Guidelines, 2015. Collection method: clinical testing. Allele origin: germline. Affected: yes. Observed: 1 variant allele.

King Laboratory, University of Washington
Classification: Pathogenic for Familial cancer of breast. Last evaluated: 2019-09-01. Review status: no assertion criteria provided. Collection method: research. Allele origin: germline. Affected: yes. Not counted in ClinVar's aggregate classification.
Comment: Transcript analysis by cBROCA

Division of Human Genetics, Children's Hospital of Philadelphia
Classification: Pathogenic for Ataxia-telangiectasia syndrome. Last evaluated: 2016-04-05. Review status: no assertion criteria provided. Collection method: research. Allele origin: germline. Study: CSER-PediSeq. Not counted in ClinVar's aggregate classification.

Department of Pathology and Laboratory Medicine, Sinai Health System
Classification: Pathogenic for Carcinoma of colon. Review status: no assertion criteria provided. Collection method: clinical testing. Allele origin: unknown. Affected: yes. Study: The Canadian Open Genetics Repository (COGR). Not counted in ClinVar's aggregate classification.
Comment: The ATM c.8418+5_8418+8del variant was identified in 8 of 23168 proband chromosomes (frequency: 0.0003) from individuals or families with Ataxia-Telangiectasia (AT), breast cancer or prostate cancer (Buzin 2003, Li 2000, Pritchard 2016, Pritzaff 2016, Susswein 2015), including 1 homozygote affected with AT (Li 2000). The variant was also identified in dbSNP (ID: rs730881295) as "With Pathogenic allele", ClinVar (classified as pathogenic by Invitae, GeneDx, Ambry Genetics, and two other submitters). The variant was not identified in LOVD 3.0. The variant was not identified in the following control databases: the Exome Aggregation Consortium (August 8th 2016) or the Genome Aggregation Database (Feb 27, 2017). The c.8418+5_8418+8del variant is located in the 5' splice region but does not affect the invariant +1 and +2 positions. However, positions +3 to +6 are part of the splicing consensus sequence and variants involving these positions sometimes affect splicing. In addition, in silico or computational prediction software programs (SpliceSiteFinder, MaxEntScan, NNSPLICE, GeneSplicer) predict a greater than 10% difference in splicing. In summary, based on the above information, this variant is classified as pathogenic.

Literature cited by the submitters: PubMed 12552559 (cited by 8 submitters); PubMed 30549301 (cited by 4 submitters); PubMed 10817650 (cited by 8 submitters); PubMed 9872980 (cited by 5 submitters); PubMed 26681312 (cited by 6 submitters); PubMed 27433846 (cited by 5 submitters); PubMed 17576681 (cited by Labcorp Genetics (formerly Invitae), Labcorp); PubMed 9536098 (cited by Labcorp Genetics (formerly Invitae), Labcorp); PubMed 8808599 (cited by 6 submitters); PubMed 28008555 (cited by 6 submitters); PubMed 9463314 (cited by 4 submitters); PubMed 8845835 (cited by 3 submitters); PubMed 16832357 (cited by 3 submitters); PubMed 19781682 (cited by 3 submitters); PubMed 31843900 (cited by 3 submitters); PubMed 32885271 (cited by 3 submitters); PubMed 21792198 (cited by Myriad Genetics, Inc.); PubMed 37438524 (cited by Myriad Genetics, Inc. and Athena Diagnostics); PubMed 29922827 (cited by Athena Diagnostics); PubMed 34887416 (cited by Athena Diagnostics); PubMed 19431188 (cited by Victorian Clinical Genetics Services, Murdoch Childrens Research Institute); PubMed 20301790 (cited by Victorian Clinical Genetics Services, Murdoch Childrens Research Institute); PubMed 27884168 (cited by Victorian Clinical Genetics Services, Murdoch Childrens Research Institute).